The following is an entry in ClinVar:

NM_006440.5(TXNRD2):c.104-102C>T

Gene: TXNRD2 (thioredoxin reductase 2; minus strand). Cytogenetic location: 22q11.21.
Variant type: single nucleotide variant.
Coding change: c.104-102C>T on transcript NM_006440.5 (MANE Select); 102 bases into the intron before coding-DNA position 104, C replaced by T.
Molecular consequence: intron variant.
Genome position (GRCh38, 1-based): chr22:19,931,200, G>A on the plus strand (C>T on the coding strand, the complement: TXNRD2 is on the minus strand). VCF-style: chr22-19931200-G-A. GRCh37 (hg19) VCF-style: chr22-19918723-G-A.
Other names: c.104-105C>T (NM_001352300.2); c.-185-102C>T (NM_001352302.2); c.14-102C>T (NM_001352301.2); c.104-102C>T (NM_001282512.3); c.8-102C>T (NM_001352303.2).
Identifiers: ClinVar variation 678729 (VCV000678729.2), dbSNP rs79960807, ClinGen allele CA322108308.

ClinVar aggregate classification (germline): Likely benign. Review status: criteria provided, multiple submitters, no conflicts (2 of 4 stars). 2 submissions from 2 submitters: Likely benign (2). Last evaluated 2018-06-19.

Allele frequency attached by ClinVar (database versions not stated): 1000 Genomes Project 30x 0.01077; 1000 Genomes Project 0.01078; TOPMed 0.01715; gnomAD 0.01720 and 0.01811; gnomAD exomes 0.02166.
gnomAD v4.1: 22,273 of 1,063,648 alleles (2.1%); highest among the groups gnomAD compares: Non-Finnish European, 2.7%; 320 homozygotes.

Submissions (2):

GeneDx
Classification: Likely benign. Last evaluated: 2018-06-19. Review status: criteria provided, single submitter. Criteria: GeneDx Variant Classification (06012015). Collection method: clinical testing. Allele origin: germline. Affected: yes.
Comment: This variant is considered likely benign or benign based on one or more of the following criteria: it is a conservative change, it occurs at a poorly conserved position in the protein, it is predicted to be benign by multiple in silico algorithms, and/or has population frequency not consistent with disease.

Breakthrough Genomics
Classification: Likely benign. Review status: criteria provided, single submitter. Criteria: ACMG Guidelines, 2015. Collection method: not provided. Allele origin: germline. Inheritance: Autosomal recessive inheritance. Affected: yes.